The following is an entry in ClinVar:

ClinVar aggregate classification (germline): Pathogenic (1 of 4 stars; one submission).

Conditions:
Joubert syndrome. Also called: CEREBELLOPARENCHYMAL DISORDER IV; JOUBERT-BOLTSHAUSER SYNDROME; Familial aplasia of the vermis. Identifiers: Orphanet 475, MedGen C5979921, MONDO:0018772.

Submission:

Labcorp Genetics (formerly Invitae), Labcorp
Classification: Pathogenic for Joubert syndrome. Last evaluated: 2023-02-24. Review status: criteria provided, single submitter. Criteria: Invitae Variant Classification Sherloc (09022015). Collection method: clinical testing. Allele origin: germline.
Comment: This sequence change creates a premature translational stop signal (p.Lys305Argfs*21) in the AHI1 gene. It is expected to result in an absent or disrupted protein product. Loss-of-function variants in AHI1 are known to be pathogenic (PMID: 15322546, 16453322, 28442542, 29186038). This variant is not present in population databases (gnomAD no frequency). This variant has not been reported in the literature in individuals affected with AHI1-related conditions. For these reasons, this variant has been classified as Pathogenic.

Literature cited by the submitters: PubMed 15322546; PubMed 16453322; PubMed 28442542; PubMed 29186038.

NM_001134831.2(AHI1):c.914_917del (p.Lys305fs)

Gene: AHI1 (Abelson helper integration site 1; minus strand). Cytogenetic location: 6q23.3.
Variant type: Deletion.
Coding change: c.914_917del on transcript NM_001134831.2 (MANE Select); coding-DNA positions 914 to 917, 4 bases deleted (AAAA; older notation c.914_917delAAAA).
Protein change: p.Lys305fs; shifts the reading frame from lysine 305.
Molecular consequence: frameshift variant.
Genome position (GRCh38, 1-based): chr6:135,463,139-135,463,142, TTTT deleted on the plus strand (AAAA on the coding strand, the reverse complement: AHI1 is on the minus strand); deleting any 4 consecutive bases within chr6:135,463,139-135,463,144 gives the same sequence; the c. name uses the placement nearest the transcript's 3' end. VCF-style (leftmost placement, unchanged base first): chr6-135463138-CTTTT-C. GRCh37 (hg19) VCF-style: chr6-135784276-CTTTT-C.
Other names: c.914_917del, p.Lys305fs (NM_001134832.2, NM_001350503.2, NM_001350504.2 and 2 more transcripts); short protein forms K305fs.
Identifiers: ClinVar variation 2840389 (VCV002840389.3), dbSNP rs1181159671, ClinGen allele CA2739266164.